The following is an entry in ClinVar:

NM_015272.5(RPGRIP1L):c.3465T>A (p.Ala1155=)

Gene: RPGRIP1L (RPGRIP1 like; minus strand). Cytogenetic location: 16q12.2.
Variant type: single nucleotide variant.
Coding change: c.3465T>A on transcript NM_015272.5 (MANE Select); coding-DNA position 3465, T replaced by A.
Protein change: p.Ala1155=; no amino-acid change (alanine 1155 retained).
Molecular consequence: synonymous variant.
Genome position (GRCh38, 1-based): chr16:53,619,176, A>T on the plus strand (T>A on the coding strand, the complement: RPGRIP1L is on the minus strand). VCF-style: chr16-53619176-A-T. GRCh37 (hg19) VCF-style: chr16-53653088-A-T.
Other names: c.3225T>A, p.Ala1075= (NM_001127897.4); c.3327T>A, p.Ala1109= (NM_001308334.3); c.3363T>A, p.Ala1121= (NM_001330538.2); c.3465T>A (NM_015272.4).
Identifiers: ClinVar variation 2418644 (VCV002418644.9), dbSNP rs1179982643, ClinGen allele CA495537671.

ClinVar aggregate classification (germline): Likely benign. Review status: criteria provided, multiple submitters, no conflicts (2 of 4 stars). 2 submissions from 2 submitters: Likely benign (2). Last evaluated 2025-04-30.

Conditions:
RPGRIP1L-related disorder. Also called: RPGRIP1L-related condition; RPGRIP1L-related disorders. Identifiers: MedGen CN239416.
Joubert syndrome. Also called: Familial aplasia of the vermis; JOUBERT-BOLTSHAUSER SYNDROME. Identifiers: Orphanet 475, MedGen C5979921, MONDO:0018772.
Meckel-Gruber syndrome. Also called: Dysencephalia splachnocystica; DYSENCEPHALIA SPLANCHNOCYSTICA; GRUBER SYNDROME. Identifiers: Orphanet 564, MedGen C0265215, MONDO:0018921.

Allele frequency attached by ClinVar (database versions not stated): gnomAD exomes below 0.00001; TOPMed below 0.00001; gnomAD 0.00001.
gnomAD v4.1: 6 of 1,613,640 alleles (0.00037%); highest among the groups gnomAD compares: Non-Finnish European, 0.00051%; no homozygotes.

Submissions (2):

PreventionGenetics, part of Exact Sciences
Classification: Likely benign for RPGRIP1L-related condition. Last evaluated: 2025-04-30. Review status: criteria provided, single submitter. Criteria: ACMG Guidelines, 2015. Collection method: clinical testing. Allele origin: germline.
Comment: This variant is classified as likely benign based on ACMG/AMP sequence variant interpretation guidelines (Richards et al. 2015 PMID: 25741868, with internal and published modifications).

Labcorp Genetics (formerly Invitae), Labcorp
Classification: Likely benign for Joubert syndrome; Meckel-Gruber syndrome. Last evaluated: 2023-06-27. Review status: criteria provided, single submitter. Criteria: Invitae Variant Classification Sherloc (09022015). Collection method: clinical testing. Allele origin: germline.